The following is an entry in ClinVar:

NM_032444.4(SLX4):c.3477G>C (p.Glu1159Asp)

Gene: SLX4 (SLX4 structure-specific endonuclease subunit; minus strand). Cytogenetic location: 16p13.3.
Variant type: single nucleotide variant.
Coding change: c.3477G>C on transcript NM_032444.4 (MANE Select); coding-DNA position 3477, G replaced by C.
Protein change: p.Glu1159Asp; replaces glutamic acid 1159 with aspartic acid.
Molecular consequence: missense variant.
Genome position (GRCh38, 1-based): chr16:3,590,161, C>G on the plus strand (G>C on the coding strand, the complement: SLX4 is on the minus strand). VCF-style: chr16-3590161-C-G. GRCh37 (hg19) VCF-style: chr16-3640162-C-G.
Other names: short protein forms E1159D.
Identifiers: ClinVar variation 1444442 (VCV001444442.8), dbSNP rs1349173708, ClinGen allele CA394520052.

ClinVar aggregate classification (germline): Uncertain significance (1 of 4 stars; one submission).

Conditions:
Fanconi anemia (FA). Also called: Fanconi's anemia. Identifiers: Orphanet 84, MedGen C0015625, MeSH D005199, MONDO:0019391.

Allele frequency attached by ClinVar (database versions not stated): gnomAD exomes below 0.00001; TOPMed below 0.00001.
gnomAD v4.1: 7 of 1,614,208 alleles (0.00043%); highest among the groups gnomAD compares: African/African-American, 0.0027%; no homozygotes.

Submission:

Labcorp Genetics (formerly Invitae), Labcorp
Classification: Uncertain significance for Fanconi anemia. Last evaluated: 2024-03-07. Review status: criteria provided, single submitter. Criteria: Invitae Variant Classification Sherloc (09022015). Collection method: clinical testing. Allele origin: germline.
Comment: This sequence change replaces glutamic acid, which is acidic and polar, with aspartic acid, which is acidic and polar, at codon 1159 of the SLX4 protein (p.Glu1159Asp). This variant is present in population databases (no rsID available, gnomAD 0.0009%). This variant has not been reported in the literature in individuals affected with SLX4-related conditions. ClinVar contains an entry for this variant (Variation ID: 1444442). An algorithm developed to predict the effect of missense changes on protein structure and function (PolyPhen-2) suggests that this variant is likely to be disruptive. In summary, the available evidence is currently insufficient to determine the role of this variant in disease. Therefore, it has been classified as a Variant of Uncertain Significance.